The following is an entry in ClinVar:

ClinVar aggregate classification (germline): Uncertain significance (1 of 4 stars; one submission).

Submission:

Women's Health and Genetics/Laboratory Corporation of America, LabCorp
Classification: Uncertain significance. Last evaluated: 2026-03-19. Review status: criteria provided, single submitter. Criteria: LabCorp Variant Classification Summary - May 2015. Collection method: clinical testing. Allele origin: germline.
Comment: Variant summary: PIGV c.67_68delCT (p.Leu23AspfsX46) results in a premature termination codon, predicted to cause a truncation of the encoded protein or absence of the protein due to nonsense mediated decay, however current evidence is not sufficient to establish loss of function as a mechanism for disease. The variant allele was found at a frequency of 8e-06 in 251430 control chromosomes. The available data on variant occurrences in the general population are insufficient to allow any conclusion about variant significance. To our knowledge, no occurrence of c.67_68delCT in individuals affected with PIGV-related conditions and no experimental evidence demonstrating its impact on protein function have been reported. No submitters have cited clinical-significance assessments for this variant to ClinVar. Based on the evidence outlined above, the variant was classified as uncertain significance.

NM_017837.4(PIGV):c.67_68del (p.Leu23fs)

Gene: PIGV (phosphatidylinositol glycan anchor biosynthesis class V; plus strand). Cytogenetic location: 1p36.11.
Variant type: Microsatellite.
Coding change: c.67_68del on transcript NM_017837.4 (MANE Select); coding-DNA positions 67 to 68, 2 bases deleted (CT; older notation c.67_68delCT).
Protein change: p.Leu23fs; shifts the reading frame from leucine 23.
Molecular consequence: frameshift variant. On other transcripts: non-coding transcript variant (2), intron variant (1).
Genome position (GRCh38, 1-based): chr1:26,790,882-26,790,883, CT deleted; deleting any 2 consecutive bases within chr1:26,790,880-26,790,883 gives the same sequence; the c. name uses the placement nearest the transcript's 3' end. VCF-style (leftmost placement, unchanged base first): chr1-26790879-ACT-A. GRCh37 (hg19) VCF-style: chr1-27117370-ACT-A.
Other names: c.67_68del, p.Leu23fs (NM_001374486.1, NM_001202554.2, NM_001374478.1 and 5 more transcripts); c.-304+3076_-304+3077del (NM_001374483.1); c.67_68delCT (NM_017837.4); short protein forms L23fs.
Identifiers: ClinVar variation 4847067 (VCV004847067.1).